The following is an entry in ClinVar:

NM_002474.3(MYH11):c.2160C>T (p.Val720=)

Gene: MYH11 (myosin heavy chain 11; minus strand). Cytogenetic location: 16p13.11.
Variant type: single nucleotide variant.
Coding change: c.2160C>T on transcript NM_002474.3 (MANE Select); coding-DNA position 2160, C replaced by T.
Protein change: p.Val720=; no amino-acid change (valine 720 retained).
Molecular consequence: synonymous variant.
Genome position (GRCh38, 1-based): chr16:15,748,067, G>A on the plus strand (C>T on the coding strand, the complement: MYH11 is on the minus strand). VCF-style: chr16-15748067-G-A. GRCh37 (hg19) VCF-style: chr16-15841924-G-A.
Other names: c.2181C>T, p.Val727= (NM_001040113.2, NM_001040114.2); c.2160C>T, p.Val720= (NM_022844.3).
Identifiers: ClinVar variation 507723 (VCV000507723.5), dbSNP rs1555560477, ClinGen allele CA493792435.

ClinVar aggregate classification (germline): Likely benign. Review status: criteria provided, multiple submitters, no conflicts (2 of 4 stars). 4 submissions from 4 submitters: Likely benign (4). Last evaluated 2023-06-26.

Conditions:
Familial thoracic aortic aneurysm and aortic dissection (TAAD). Also called: Thoracic aortic aneurysms and dissections. Identifiers: Orphanet 91387, MedGen C4707243, MONDO:0019625.

Submissions (4):

All of Us Research Program, National Institutes of Health
Classification: Likely benign for Familial thoracic aortic aneurysm and aortic dissection. Last evaluated: 2023-06-26. Review status: criteria provided, single submitter. Criteria: ACMG Guidelines, 2015. Collection method: clinical testing. Allele origin: germline. Inheritance: Autosomal dominant inheritance. Observed: 1 variant allele, 1 heterozygote.
Comment: This study involves interpretation of variants in research participants for the purpose of population health screening. Participant phenotype was not available at the time of variant classification. Additional details can be found in publication PMID: 35346344, PMCID: PMC8962531

Color Diagnostics, LLC DBA Color Health
Classification: Likely benign for Familial thoracic aortic aneurysm and aortic dissection. Last evaluated: 2022-11-06. Review status: criteria provided, single submitter. Criteria: ACMG Guidelines, 2015. Collection method: clinical testing. Allele origin: germline.

Ambry Genetics
Classification: Likely benign for Familial thoracic aortic aneurysm and aortic dissection. Last evaluated: 2022-08-01. Review status: criteria provided, single submitter. Criteria: Ambry Variant Classification Scheme 2023. Collection method: clinical testing. Allele origin: germline.

GeneDx
Classification: Likely benign. Last evaluated: 2017-02-27. Review status: criteria provided, single submitter. Criteria: GeneDx Variant Classification (06012015). Collection method: clinical testing. Allele origin: germline. Affected: yes.
Comment: This variant is considered likely benign or benign based on one or more of the following criteria: it is a conservative change, it occurs at a poorly conserved position in the protein, it is predicted to be benign by multiple in silico algorithms, and/or has population frequency not consistent with disease.